The following is an entry in ClinVar:

ClinVar aggregate classification (germline): Uncertain significance. Review status: reviewed by expert panel (3 of 4 stars). 4 submissions from 4 submitters: Uncertain significance (1). 3 of the submissions do not count toward it. Last evaluated 2025-08-01.

Conditions:
RYR1-related disorder. Also called: RYR1-related condition; RYR1-related disorders. Identifiers: MedGen CN239331.
Malignant hyperthermia of anesthesia. Also called: Anesthesic-triggered malignant hyperthermia. Identifiers: Orphanet 423, MedGen C0024591, MONDO:0018493, HP:0034733.

gnomAD v4.1: 6 of 1,614,114 alleles (0.00037%); highest among the groups gnomAD compares: Non-Finnish European, 0.00051%; no homozygotes.

Submissions (4):

ClinGen Malignant Hyperthermia Susceptibility Variant Curation Expert Panel, ClinGen
Classification: Uncertain significance for Malignant hyperthermia of anesthesia. Last evaluated: 2025-08-01. Review status: reviewed by expert panel. Criteria: ClinGen MHS ACMG Specifications V2. Collection method: curation. Allele origin: germline. Inheritance: Autosomal dominant inheritance.
Comment: This pathogenicity assessment is relevant only for malignant hyperthermia susceptibility (MHS) inherited in an autosomal dominant pattern. Variants in RYR1 can also cause other myopathies inherited in an autosomal dominant pattern or in an autosomal recessive pattern. Some of these disorders may predispose individuals to malignant hyperthermia. RYR1 variants may also contribute to a malignant hyperthermia reaction in combination with other genetic and non-genetic factors and the clinician needs to consider such factors in making management decisions. This sequence variant predicts a substitution of arginine with glycine at codon 401 of the RYR1 protein, p.(Arg401Gly). The maximum allele frequency for this variant among the six major gnomAD populations is NFE: 0.000009, a frequency consistent with pathogenicity for MHS. This variant has been reported in an individual with a personal or family history of an MH episode without in vitro contracture test (IVCT) or caffeine halothane contracture test (CHCT) results, this does not meet the criteria for PS4 to be implemented (PMID:16917943). No functional studies were identified for this variant. This variant resides in a region of RYR1 considered to be a hotspot for pathogenic variants that contribute to MHS, use PM1_Supporting to avoid overweighting with PM5 (PMID: 21118704). Another variant has been assessed as pathogenic occurs at this codon, p.(Arg401His), PM5. A REVEL score >0.85 (0.865) supports a pathogenic status for this variant, PP3_Moderate. Based on using Bayes to combine criteria this variant is assessed as a Variant of Uncertain Significance, (PMID: 29300386). Criteria implemented: PM1_Supporting, PM5, PP3_Moderate.

GeneDx
Classification: Likely pathogenic. Last evaluated: 2026-10-21. Review status: criteria provided, single submitter. Criteria: GeneDx Variant Classification Process June 2021. Collection method: clinical testing. Allele origin: germline. Not counted in ClinVar's aggregate classification.
Comment: Reported in an individual with malignant hyperthermia in the published literature (PMID: 16917943); Not observed at significant frequency in large population cohorts (gnomAD); In silico analysis supports that this missense variant has a deleterious effect on protein structure/function; Also known as R402G; This variant is associated with the following publications: (PMID: 23422674, 16917943, 33767344, 42075824)

Labcorp Genetics (formerly Invitae), Labcorp
Classification: Uncertain significance for RYR1-related disorder. Last evaluated: 2025-11-11. Review status: criteria provided, single submitter. Criteria: Invitae Variant Classification Sherloc (09022015). Collection method: clinical testing. Allele origin: germline. Not counted in ClinVar's aggregate classification.
Comment: This sequence change replaces arginine, which is basic and polar, with glycine, which is neutral and non-polar, at codon 401 of the RYR1 protein (p.Arg401Gly). This variant is present in population databases (rs193922764, gnomAD 0.0009%). This missense change has been observed in individual(s) with malignant hyperthermia (PMID: 16917943). ClinVar contains an entry for this variant (Variation ID: 133028). Invitae Evidence Modeling of protein sequence and biophysical properties (such as structural, functional, and spatial information, amino acid conservation, physicochemical variation, residue mobility, and thermodynamic stability) indicates that this missense variant is expected to disrupt RYR1 protein function with a positive predictive value of 80%. This variant disrupts the p.Arg401 amino acid residue in RYR1. Other variant(s) that disrupt this residue have been determined to be pathogenic (PMID: 12066726, 23919265, 24433488, 25735680, 28818389, 30236257). This suggests that this residue is clinically significant, and that variants that disrupt this residue are likely to be disease-causing. In summary, the available evidence is currently insufficient to determine the role of this variant in disease. Therefore, it has been classified as a Variant of Uncertain Significance.

RYR1 database
No classification provided. Review status: no classification provided. Collection method: not provided. Allele origin: unknown. Not counted in ClinVar's aggregate classification.

Literature cited by the submitters: PubMed 16917943 (cited by Labcorp Genetics (formerly Invitae), Labcorp); PubMed 12066726 (cited by Labcorp Genetics (formerly Invitae), Labcorp); PubMed 23919265 (cited by Labcorp Genetics (formerly Invitae), Labcorp); PubMed 24433488 (cited by Labcorp Genetics (formerly Invitae), Labcorp); PubMed 25735680 (cited by Labcorp Genetics (formerly Invitae), Labcorp); PubMed 28818389 (cited by Labcorp Genetics (formerly Invitae), Labcorp); PubMed 30236257 (cited by Labcorp Genetics (formerly Invitae), Labcorp).

NM_000540.3(RYR1):c.1201C>G (p.Arg401Gly)

Gene: RYR1 (ryanodine receptor 1; plus strand). Cytogenetic location: 19q13.2.
Variant type: single nucleotide variant.
Coding change: c.1201C>G on transcript NM_000540.3 (MANE Select); coding-DNA position 1201, C replaced by G.
Protein change: p.Arg401Gly; replaces arginine 401 with glycine.
Molecular consequence: missense variant.
Genome position (GRCh38, 1-based): chr19:38,451,842, C>G. VCF-style: chr19-38451842-C-G. GRCh37 (hg19) VCF-style: chr19-38942482-C-G.
Other names: NM_000540.3(RYR1):c.1201C>G; c.1201C>G, p.Arg401Gly (NM_001042723.2); short protein forms R401G.
Identifiers: ClinVar variation 133028 (VCV000133028.10), dbSNP rs193922764, ClinGen allele CA023955.
Genomic context (GRCh38, chr19:38,451,842, plus strand): 5'-GGCCACATGGACGACGCACTGTCGCTGACCCGCTGCCAGCAGGAGGAGTCCCAGGCCGCC[C>G]GCATGATCCACAGCACCAATGGCCTATACAACCAGTTCATCAAGTGAGCAACCTGCCCTC-3'
Protein context (NP_000531.2, residues 391-411): RCQQEESQAA[Arg401Gly]MIHSTNGLYN